The following is an entry in ClinVar:

ClinVar aggregate classification (germline): Uncertain significance. Review status: criteria provided, multiple submitters, no conflicts (2 of 4 stars). 2 submissions from 2 submitters: Uncertain significance (2). Last evaluated 2025-04-28.

Conditions:
DLX4-related disorder. Also called: DLX4-related condition.

Allele frequency attached by ClinVar (database versions not stated): TOPMed 0.00002; gnomAD 0.00003.

Submissions (2):

PreventionGenetics, part of Exact Sciences
Classification: Uncertain significance for DLX4-related condition. Last evaluated: 2025-04-28. Review status: criteria provided, single submitter. Criteria: ACMG Guidelines, 2015. Collection method: clinical testing. Allele origin: germline.
Comment: The DLX4 c.428C>T variant is predicted to result in the amino acid substitution p.Ala143Val. To our knowledge, this variant has not been reported in the literature. This variant is reported in 0.0018% of alleles in individuals of European (Non-Finnish) descent in gnomAD. At this time, the clinical significance of this variant is uncertain due to the absence of conclusive functional and genetic evidence.

Ambry Genetics
Classification: Uncertain significance. Last evaluated: 2023-12-15. Review status: criteria provided, single submitter. Criteria: Ambry Variant Classification Scheme 2023. Collection method: clinical testing. Allele origin: germline.

NM_138281.3(DLX4):c.428C>T (p.Ala143Val)

Gene: DLX4 (distal-less homeobox 4; plus strand). Cytogenetic location: 17q21.33.
Variant type: single nucleotide variant.
Coding change: c.428C>T on transcript NM_138281.3 (MANE Select); coding-DNA position 428, C replaced by T.
Protein change: p.Ala143Val; replaces alanine 143 with valine.
Molecular consequence: missense variant.
Genome position (GRCh38, 1-based): chr17:49,973,217, C>T. VCF-style: chr17-49973217-C-T. GRCh37 (hg19) VCF-style: chr17-48050581-C-T.
Other names: c.212C>T, p.Ala71Val (NM_001934.4); short protein forms A71V, A143V.
Identifiers: ClinVar variation 3082956 (VCV003082956.3), dbSNP rs893572771, ClinGen allele CA291489819.
Genomic context (GRCh38, chr17:49,973,217, plus strand): 5'-TCTACTCCAGCCTGCAGCTGCAGCACCTAAACCAGCGTTTCCAGCACACGCAGTACCTGG[C>T]GCTGCCCGAGAGGGCCCAGCTGGCAGCGCAGCTCGGCCTCACCCAGACCCAGGTGGGGCC-3'
Protein context (NP_612138.1, residues 133-153): NQRFQHTQYL[Ala143Val]LPERAQLAAQ